The following is an entry in ClinVar:

NM_001145252.3(CFP):c.701C>T (p.Pro234Leu)

Gene: CFP (complement factor properdin; minus strand). Cytogenetic location: Xp11.23.
Variant type: single nucleotide variant.
Coding change: c.701C>T on transcript NM_001145252.3 (MANE Select); coding-DNA position 701, C replaced by T.
Protein change: p.Pro234Leu; replaces proline 234 with leucine.
Molecular consequence: missense variant.
Genome position (GRCh38, 1-based): chrX:47,627,206, G>A on the plus strand (C>T on the coding strand, the complement: CFP is on the minus strand). VCF-style: chrX-47627206-G-A. GRCh37 (hg19) VCF-style: chrX-47486605-G-A.
Other names: c.701C>T, p.Pro234Leu (NM_002621.2); short protein forms P234L.
Identifiers: ClinVar variation 1522604 (VCV001522604.8), dbSNP rs769690133, ClinGen allele CA412837983.

ClinVar aggregate classification (germline): Uncertain significance (1 of 4 stars; one submission).

Submission:

Labcorp Genetics (formerly Invitae), Labcorp
Classification: Uncertain significance. Last evaluated: 2021-04-03. Review status: criteria provided, single submitter. Criteria: Invitae Variant Classification Sherloc (09022015). Collection method: clinical testing. Allele origin: germline.
Comment: This variant has not been reported in the literature in individuals with CFP-related conditions. This variant is not present in population databases (ExAC no frequency). This sequence change replaces proline with leucine at codon 234 of the CFP protein (p.Pro234Leu). The proline residue is highly conserved and there is a moderate physicochemical difference between proline and leucine. Algorithms developed to predict the effect of missense changes on protein structure and function are either unavailable or do not agree on the potential impact of this missense change (SIFT: "Deleterious"; PolyPhen-2: "Probably Damaging"; Align-GVGD: "Class C0"). In summary, the available evidence is currently insufficient to determine the role of this variant in disease. Therefore, it has been classified as a Variant of Uncertain Significance.